The following is an entry in ClinVar:

ClinVar aggregate classification (germline): Uncertain significance (1 of 4 stars; one submission).

Submission:

GeneDx
Classification: Uncertain significance. Last evaluated: 2022-07-20. Review status: criteria provided, single submitter. Criteria: GeneDx Variant Classification Process June 2021. Collection method: clinical testing. Allele origin: germline. Affected: yes.
Comment: Not observed at significant frequency in large population cohorts (gnomAD); In silico analysis supports that this missense variant has a deleterious effect on protein structure/function; Missense variant in a gene in which most reported pathogenic variants are truncating/loss of function; Has not been previously published as pathogenic or benign to our knowledge

NM_004484.4(GPC3):c.281A>C (p.Gln94Pro)

Gene: GPC3 (glypican 3; minus strand). Cytogenetic location: Xq26.2.
Variant type: single nucleotide variant.
Coding change: c.281A>C on transcript NM_004484.4 (MANE Select); coding-DNA position 281, A replaced by C.
Protein change: p.Gln94Pro; replaces glutamine 94 with proline.
Molecular consequence: missense variant. On other transcripts: intron variant (1).
Genome position (GRCh38, 1-based): chrX:133,953,106, T>G on the plus strand (A>C on the coding strand, the complement: GPC3 is on the minus strand). VCF-style: chrX-133953106-T-G. GRCh37 (hg19) VCF-style: chrX-133087133-T-G.
Other names: c.281A>C, p.Gln94Pro (NM_001164617.2, NM_001164618.2); c.175+32169A>C (NM_001164619.2); short protein forms Q94P.
Identifiers: ClinVar variation 2136208 (VCV002136208.1), dbSNP rs2521895371, ClinGen allele CA414707389.